The following is an entry in ClinVar:

ClinVar aggregate classification (germline): Likely benign (1 of 4 stars; one submission).

Submission:

CeGaT Center for Human Genetics Tuebingen
Classification: Likely benign. Last evaluated: 2025-12-01. Review status: criteria provided, single submitter. Criteria: CeGaT Center For Human Genetics Tuebingen Variant Classification Criteria Version 2. Collection method: clinical testing. Allele origin: germline. Affected: yes. Observed: 3 variant alleles.
Comment: ATAD3B: BP4, BP7, BS2

NM_031921.6(ATAD3B):c.1377C>T (p.Phe459=)

Gene: ATAD3B (ATPase family AAA domain containing 3B; plus strand). Cytogenetic location: 1p36.33.
Variant type: single nucleotide variant.
Coding change: c.1377C>T on transcript NM_031921.6 (MANE Select); coding-DNA position 1377, C replaced by T.
Protein change: p.Phe459=; no amino-acid change (phenylalanine 459 retained).
Molecular consequence: synonymous variant.
Genome position (GRCh38, 1-based): chr1:1,490,296, C>T. VCF-style: chr1-1490296-C-T. GRCh37 (hg19) VCF-style: chr1-1425676-C-T.
Other names: c.1239C>T, p.Phe413= (NM_001317238.2).
Identifiers: ClinVar variation 3770406 (VCV003770406.13).